The following is an entry in ClinVar:

ClinVar aggregate classification (germline): Uncertain significance. Review status: criteria provided, multiple submitters, no conflicts (2 of 4 stars). 2 submissions from 2 submitters: Uncertain significance (2). Last evaluated 2025-11-18.

Conditions:
Brain small vessel disease 1 with or without ocular anomalies (BSVD1). Also called: BRAIN SMALL VESSEL DISEASE WITH HEMORRHAGE; Brain small vessel disease with or without ocular anomalies; GOULD SYNDROME 1; PORENCEPHALY, TYPE 1, AUTOSOMAL DOMINANT. Identifiers: Orphanet 2940, Orphanet 36383, Orphanet 99810, MedGen C4755307, MONDO:0008289, OMIM 175780.
Hemorrhage, intracerebral, susceptibility to (ICH). Also called: Stroke, hemorrhagic, susceptibility to. Identifiers: MedGen C3281105, MONDO:0100533, OMIM 614519.
Retinal arterial tortuosity. Also called: RETINAL HEMORRHAGE WITH VASCULAR TORTUOSITY; Retinal arteries, tortuosity of. Identifiers: Orphanet 75326, MedGen C0423401, MONDO:0008373, OMIM 180000, HP:0000631.
Autosomal dominant familial hematuria-retinal arteriolar tortuosity-contractures syndrome. Also called: Angiopathy, hereditary, with nephropathy, aneurysms, and muscle cramps; Hereditary Angiopathy with Nephropathy, Aneurysms, and Muscle Cramps (HANAC) Syndrome. Identifiers: Orphanet 73229, MedGen C2673195, MONDO:0012726, OMIM 611773.
Microangiopathy and leukoencephalopathy, pontine, autosomal dominant. Also called: DEMENTIA, HEREDITARY MULTI-INFARCT, SWEDISH TYPE; Pontine autosomal dominant microangiopathy with leukoencephalopathy. Identifiers: Orphanet 477749, MedGen C5231411, MONDO:0032814, OMIM 618564.

Submissions (2):

Labcorp Genetics (formerly Invitae), Labcorp
Classification: Uncertain significance. Last evaluated: 2025-11-18. Review status: criteria provided, single submitter. Criteria: Invitae Variant Classification Sherloc (09022015). Collection method: clinical testing. Allele origin: germline.
Comment: This variant, c.4588_4593dup, results in the insertion of 2 amino acid(s) of the COL4A1 protein (p.Pro1530_Met1531dup), but otherwise preserves the integrity of the reading frame. This variant is not present in population databases (gnomAD no frequency). This variant has not been reported in the literature in individuals affected with COL4A1-related conditions. Experimental studies and prediction algorithms are not available or were not evaluated, and the functional significance of this variant is currently unknown. In summary, the available evidence is currently insufficient to determine the role of this variant in disease. Therefore, it has been classified as a Variant of Uncertain Significance.

Fulgent Genetics
Classification: Uncertain significance for Brain small vessel disease 1 with or without ocular anomalies; Retinal arterial tortuosity; Autosomal dominant familial hematuria-retinal arteriolar tortuosity-contractures syndrome; Hemorrhage, intracerebral, susceptibility to; Microangiopathy and leukoencephalopathy, pontine, autosomal dominant. Last evaluated: 2024-05-28. Review status: criteria provided, single submitter. Criteria: ACMG Guidelines, 2015. Collection method: clinical testing. Allele origin: germline.

NM_001845.6(COL4A1):c.4582CCCATG[3] (p.Met1531_Ser1532insProMet)

Gene: COL4A1 (collagen type IV alpha 1 chain; minus strand). Cytogenetic location: 13q34.
Variant type: Microsatellite.
Coding change: c.4582CCCATG[3] on transcript NM_001845.6 (MANE Select); three copies in a row of the 6-base unit CCCATG starting at c.4582; the reference has two copies in a row; one copy, 6 bases duplicated; also written c.4588_4593dup.
Protein change: p.Met1531_Ser1532insProMet.
Genome position (GRCh38, 1-based): chr13:110,161,239-110,161,244, CATGGG duplicated on the plus strand (CCCATG on the coding strand, the reverse complement: COL4A1 is on the minus strand); duplicating any 6 consecutive bases within chr13:110,161,239-110,161,251 gives the same sequence; the position shown is the placement nearest the transcript's 3' end. VCF-style (leftmost placement, unchanged base first): chr13-110161238-A-ACATGGG. GRCh37 (hg19) VCF-style: chr13-110813585-A-ACATGGG.
Other names: c.4588_4593dup (NM_001845.6).
Identifiers: ClinVar variation 3575668 (VCV003575668.2).